The following is an entry in ClinVar:

ClinVar aggregate classification (germline): Uncertain significance (1 of 4 stars; one submission).

gnomAD v4.1: 1 of 1,612,078 alleles (0.000062%); no homozygotes.

Submission:

Labcorp Genetics (formerly Invitae), Labcorp
Classification: Uncertain significance. Last evaluated: 2022-12-13. Review status: criteria provided, single submitter. Criteria: Invitae Variant Classification Sherloc (09022015). Collection method: clinical testing. Allele origin: germline.
Comment: This sequence change replaces aspartic acid, which is acidic and polar, with asparagine, which is neutral and polar, at codon 284 of the GUF1 protein (p.Asp284Asn). In summary, the available evidence is currently insufficient to determine the role of this variant in disease. Therefore, it has been classified as a Variant of Uncertain Significance. Advanced modeling of protein sequence and biophysical properties (such as structural, functional, and spatial information, amino acid conservation, physicochemical variation, residue mobility, and thermodynamic stability) performed at Invitae indicates that this missense variant is not expected to disrupt GUF1 protein function. This variant has not been reported in the literature in individuals affected with GUF1-related conditions. This variant is not present in population databases (gnomAD no frequency).

NM_021927.3(GUF1):c.850G>A (p.Asp284Asn)

Gene: GUF1 (GTP binding elongation factor GUF1; plus strand). Cytogenetic location: 4p12.
Variant type: single nucleotide variant.
Coding change: c.850G>A on transcript NM_021927.3 (MANE Select); coding-DNA position 850, G replaced by A.
Protein change: p.Asp284Asn; replaces aspartic acid 284 with asparagine.
Molecular consequence: missense variant. On other transcripts: 5 prime UTR variant (2).
Genome position (GRCh38, 1-based): chr4:44,686,625, G>A. VCF-style: chr4-44686625-G-A. GRCh37 (hg19) VCF-style: chr4-44688642-G-A.
Other names: c.-123G>A (NM_001345867.2, NM_001345869.2); c.850G>A, p.Asp284Asn (NM_001345868.2); short protein forms D284N.
Identifiers: ClinVar variation 2820306 (VCV002820306.3), dbSNP rs940427957, ClinGen allele CA356762467.